The following is an entry in ClinVar:

ClinVar aggregate classification (germline): Uncertain significance (1 of 4 stars; one submission).

Conditions:
Werner syndrome (WRN). Identifiers: Orphanet 902, MedGen C0043119, MONDO:0010196, OMIM 277700.

Allele frequency attached by ClinVar (database versions not stated): gnomAD exomes below 0.00001.
gnomAD v4.1: 1 of 1,612,396 alleles (0.000062%); highest among the groups gnomAD compares: Non-Finnish European, 0.000085%; no homozygotes.

Submission:

Labcorp Genetics (formerly Invitae), Labcorp
Classification: Uncertain significance for Werner syndrome. Last evaluated: 2024-12-28. Review status: criteria provided, single submitter. Criteria: Invitae Variant Classification Sherloc (09022015). Collection method: clinical testing. Allele origin: germline.
Comment: This sequence change replaces aspartic acid, which is acidic and polar, with tyrosine, which is neutral and polar, at codon 526 of the WRN protein (p.Asp526Tyr). This variant also falls at the last nucleotide of exon 12, which is part of the consensus splice site for this exon. This variant is not present in population databases (gnomAD no frequency). This variant has not been reported in the literature in individuals affected with WRN-related conditions. ClinVar contains an entry for this variant (Variation ID: 1041721). An algorithm developed to predict the effect of missense changes on protein structure and function (PolyPhen-2) suggests that this variant is likely to be disruptive. Variants that disrupt the consensus splice site are a relatively common cause of aberrant splicing (PMID: 17576681, 9536098). Algorithms developed to predict the effect of sequence changes on RNA splicing suggest that this variant may create or strengthen a splice site. In summary, the available evidence is currently insufficient to determine the role of this variant in disease. Therefore, it has been classified as a Variant of Uncertain Significance.

Literature cited by the submitters: PubMed 17576681; PubMed 9536098.

NM_000553.6(WRN):c.1576G>T (p.Asp526Tyr)

Gene: WRN (WRN RecQ like helicase; plus strand). Cytogenetic location: 8p12.
Variant type: single nucleotide variant.
Coding change: c.1576G>T on transcript NM_000553.6 (MANE Select); coding-DNA position 1576, G replaced by T.
Protein change: p.Asp526Tyr; replaces aspartic acid 526 with tyrosine.
Molecular consequence: missense variant.
Genome position (GRCh38, 1-based): chr8:31,087,920, G>T. VCF-style: chr8-31087920-G-T. GRCh37 (hg19) VCF-style: chr8-30945436-G-T.
Other names: short protein forms D526Y.
Identifiers: ClinVar variation 1041721 (VCV001041721.5), dbSNP rs1813600127, ClinGen allele CA370925027.